The following is an entry in ClinVar:

ClinVar aggregate classification (germline): Uncertain significance (1 of 4 stars; one submission).

Conditions:
Immunodeficiency due to CD25 deficiency. Also called: IL2RA DEFICIENCY; CD25 DEFICIENCY; IMMUNODEFICIENCY 41 WITH LYMPHOPROLIFERATION AND AUTOIMMUNITY. Identifiers: Orphanet 169100, MedGen C1853392, MONDO:0011664, OMIM 606367.

Submission:

Labcorp Genetics (formerly Invitae), Labcorp
Classification: Uncertain significance for Immunodeficiency due to CD25 deficiency. Last evaluated: 2023-09-05. Review status: criteria provided, single submitter. Criteria: Invitae Variant Classification Sherloc (09022015). Collection method: clinical testing. Allele origin: germline.
Comment: In summary, the available evidence is currently insufficient to determine the role of this variant in disease. Therefore, it has been classified as a Variant of Uncertain Significance. Advanced modeling of protein sequence and biophysical properties (such as structural, functional, and spatial information, amino acid conservation, physicochemical variation, residue mobility, and thermodynamic stability) performed at Invitae indicates that this missense variant is not expected to disrupt IL2RA protein function. This variant has not been reported in the literature in individuals affected with IL2RA-related conditions. This variant is not present in population databases (gnomAD no frequency). This sequence change replaces methionine, which is neutral and non-polar, with isoleucine, which is neutral and non-polar, at codon 65 of the IL2RA protein (p.Met65Ile).

NM_000417.3(IL2RA):c.195G>A (p.Met65Ile)

Gene: IL2RA (interleukin 2 receptor subunit alpha; minus strand). Cytogenetic location: 10p15.1.
Variant type: single nucleotide variant.
Coding change: c.195G>A on transcript NM_000417.3 (MANE Select); coding-DNA position 195, G replaced by A.
Protein change: p.Met65Ile; replaces methionine 65 with isoleucine.
Molecular consequence: missense variant.
Genome position (GRCh38, 1-based): chr10:6,025,895, C>T on the plus strand (G>A on the coding strand, the complement: IL2RA is on the minus strand). VCF-style: chr10-6025895-C-T. GRCh37 (hg19) VCF-style: chr10-6067858-C-T.
Other names: c.195G>A, p.Met65Ile (NM_001308242.2, NM_001308243.2); short protein forms M65I.
Identifiers: ClinVar variation 2758072 (VCV002758072.3), dbSNP rs1589295742, ClinGen allele CA375930275.